The following is an entry in ClinVar:

NM_001354712.2(THRB):c.1145A>T (p.Asp382Val)

Gene: THRB (thyroid hormone receptor beta; minus strand). Cytogenetic location: 3p24.2.
Variant type: single nucleotide variant.
Coding change: c.1145A>T on transcript NM_001354712.2 (MANE Select); coding-DNA position 1145, A replaced by T.
Protein change: p.Asp382Val; replaces aspartic acid 382 with valine.
Molecular consequence: missense variant.
Genome position (GRCh38, 1-based): chr3:24,123,125, T>A on the plus strand (A>T on the coding strand, the complement: THRB is on the minus strand). VCF-style: chr3-24123125-T-A. GRCh37 (hg19) VCF-style: chr3-24164616-T-A.
Other names: c.1145A>T, p.Asp382Val (NM_000461.5, NM_001128176.3, NM_001128177.2 and 11 more transcripts); c.1052A>T, p.Asp351Val (NM_001354714.2, NM_001354715.2); c.974A>T, p.Asn325Ile (NM_001374827.1); short protein forms D351V, D382V, N325I.
Identifiers: ClinVar variation 1800981 (VCV001800981.1), dbSNP rs2471605249, ClinGen allele CA351887186.

ClinVar aggregate classification (germline): Uncertain significance (1 of 4 stars; one submission).

Submission:

GeneDx
Classification: Uncertain significance. Last evaluated: 2022-05-26. Review status: criteria provided, single submitter. Criteria: GeneDx Variant Classification Process June 2021. Collection method: clinical testing. Allele origin: germline. Affected: yes.
Comment: Not observed at significant frequency in large population cohorts (gnomAD); In silico analysis supports that this missense variant has a deleterious effect on protein structure/function; Has not been previously published as pathogenic or benign to our knowledge